The following is an entry in ClinVar:

ClinVar aggregate classification (germline): Uncertain significance (1 of 4 stars; one submission).

Conditions:
Cardiovascular phenotype. Identifiers: MedGen CN230736.

Allele frequency attached by ClinVar (database versions not stated): TOPMed below 0.00001.

Submission:

Ambry Genetics
Classification: Uncertain significance for Cardiovascular phenotype. Last evaluated: 2021-06-12. Review status: criteria provided, single submitter. Criteria: Ambry Variant Classification Scheme 2023. Collection method: clinical testing. Allele origin: germline.
Comment: The p.H2835Y variant (also known as c.8503C>T), located in coding exon 33 of the AKAP9 gene, results from a C to T substitution at nucleotide position 8503. The histidine at codon 2835 is replaced by tyrosine, an amino acid with similar properties. This amino acid position is conserved. In addition, this alteration is predicted to be tolerated by in silico analysis. Since supporting evidence is limited at this time, the clinical significance of this alteration remains unclear.

NM_005751.5(AKAP9):c.8503C>T (p.His2835Tyr)

Gene: AKAP9 (A-kinase anchoring protein 9; plus strand). Cytogenetic location: 7q21.2.
Variant type: single nucleotide variant.
Coding change: c.8503C>T on transcript NM_005751.5 (MANE Select); coding-DNA position 8503, C replaced by T.
Protein change: p.His2835Tyr; replaces histidine 2835 with tyrosine.
Molecular consequence: missense variant.
Genome position (GRCh38, 1-based): chr7:92,083,512, C>T. VCF-style: chr7-92083512-C-T. GRCh37 (hg19) VCF-style: chr7-91712826-C-T.
Other names: c.3148C>T, p.His1050Tyr (NM_001379277.1); c.8479C>T, p.His2827Tyr (NM_147185.3); short protein forms H2827Y, H2835Y, H1050Y.
Identifiers: ClinVar variation 1763660 (VCV001763660.2), dbSNP rs1813966442, ClinGen allele CA368139351.